The following is an entry in ClinVar:

NM_001009944.3(PKD1):c.9193G>A (p.Val3065Met)

Gene: PKD1 (polycystin 1, transient receptor potential channel interacting; minus strand). Cytogenetic location: 16p13.3.
Variant type: single nucleotide variant.
Coding change: c.9193G>A on transcript NM_001009944.3 (MANE Select); coding-DNA position 9193, G replaced by A.
Protein change: p.Val3065Met; replaces valine 3065 with methionine.
Molecular consequence: missense variant.
Genome position (GRCh38, 1-based): chr16:2,102,389, C>T on the plus strand (G>A on the coding strand, the complement: PKD1 is on the minus strand). VCF-style: chr16-2102389-C-T. GRCh37 (hg19) VCF-style: chr16-2152390-C-T.
Other names: c.9193G>A, p.Val3065Met (NM_000296.4); short protein forms V3065M.
Identifiers: ClinVar variation 1700409 (VCV001700409.2), dbSNP rs1004725342, ClinGen allele CA394358451.
Genomic context (GRCh38, chr16:2,102,389, plus strand): 5'-CCCAGGCCCTCCTCGACTCTGCAGAGGCTCCCAGGAGCACAGGGTCACTCACAGGAAACA[C>T]AAAGCGGACATGGCTTGGGGGCACGAAGAGGCTGGCGCCGAAGGCGGTGAGGTGGCGGGT-3'
Protein context (NP_001009944.3, residues 3055-3075): LFVPPSHVRF[Val3065Met]FPEPTADVNY

ClinVar aggregate classification (germline): Uncertain significance (1 of 4 stars; one submission).

gnomAD v4.1: 3 of 1,557,702 alleles (0.00019%); highest among the groups gnomAD compares: East Asian, 0.0048%; no homozygotes.

Submission:

GeneDx
Classification: Uncertain significance. Last evaluated: 2022-02-02. Review status: criteria provided, single submitter. Criteria: GeneDx Variant Classification Process June 2021. Collection method: clinical testing. Allele origin: germline. Affected: yes.
Comment: Observed in a patient with renal and hepatic cyst in published literature (Liang et al., 2019); In silico analysis supports that this missense variant does not alter protein structure/function; This variant is associated with the following publications: (PMID: 31730820)